The following is an entry in ClinVar:

ClinVar aggregate classification (germline): Uncertain significance (1 of 4 stars; one submission).

Submission:

Labcorp Genetics (formerly Invitae), Labcorp
Classification: Uncertain significance. Last evaluated: 2025-12-23. Review status: criteria provided, single submitter. Criteria: Invitae Variant Classification Sherloc (09022015). Collection method: clinical testing. Allele origin: germline.
Comment: This sequence change replaces leucine, which is neutral and non-polar, with valine, which is neutral and non-polar, at codon 230 of the NEFH protein (p.Leu230Val). This variant is not present in population databases (gnomAD no frequency). This variant has not been reported in the literature in individuals affected with NEFH-related conditions. ClinVar contains an entry for this variant (Variation ID: 1975479). Invitae Evidence Modeling of protein sequence and biophysical properties (such as structural, functional, and spatial information, amino acid conservation, physicochemical variation, residue mobility, and thermodynamic stability) indicates that this missense variant is not expected to disrupt NEFH protein function with a negative predictive value of 95%. In summary, the available evidence is currently insufficient to determine the role of this variant in disease. Therefore, it has been classified as a Variant of Uncertain Significance.

NM_021076.4(NEFH):c.688C>G (p.Leu230Val)

Gene: NEFH (neurofilament heavy chain; plus strand). Cytogenetic location: 22q12.2.
Variant type: single nucleotide variant.
Coding change: c.688C>G on transcript NM_021076.4 (MANE Select); coding-DNA position 688, C replaced by G.
Protein change: p.Leu230Val; replaces leucine 230 with valine.
Molecular consequence: missense variant.
Genome position (GRCh38, 1-based): chr22:29,480,950, C>G. VCF-style: chr22-29480950-C-G. GRCh37 (hg19) VCF-style: chr22-29876939-C-G.
Other names: short protein forms L230V.
Identifiers: ClinVar variation 1975479 (VCV001975479.5), dbSNP rs1355547812, ClinGen allele CA411123665.